The following is an entry in ClinVar:

NM_000179.3(MSH6):c.3429T>C (p.Leu1143=)

Gene: MSH6 (mutS homolog 6; plus strand). Cytogenetic location: 2p16.3.
Variant type: single nucleotide variant.
Coding change: c.3429T>C on transcript NM_000179.3 (MANE Select); coding-DNA position 3429, T replaced by C.
Protein change: p.Leu1143=; no amino-acid change (leucine 1143 retained).
Molecular consequence: synonymous variant.
Genome position (GRCh38, 1-based): chr2:47,803,676, T>C. VCF-style: chr2-47803676-T-C. GRCh37 (hg19) VCF-style: chr2-48030815-T-C.
Other names: c.3039T>C, p.Leu1013= (NM_001281492.2); c.2523T>C, p.Leu841= (NM_001281493.2, NM_001281494.2).
Identifiers: ClinVar variation 232024 (VCV000232024.19), dbSNP rs562766087, ClinGen allele CA10578142.

ClinVar aggregate classification (germline): Benign/Likely benign. Review status: criteria provided, multiple submitters, no conflicts (2 of 4 stars). 5 submissions from 5 submitters: Benign (1); Likely benign (4). Last evaluated 2026-01-04.

Conditions:
Lynch syndrome 5 (LYNCH5). Also called: Colorectal cancer, hereditary nonpolyposis, type 5; Hereditary non-polyposis colorectal cancer, type 5. Identifiers: Orphanet 144, MedGen C1833477, MONDO:0013710, OMIM 614350. Disease mechanism: loss of function.
Hereditary nonpolyposis colorectal neoplasms. Identifiers: MedGen C0009405, MeSH D003123.
Hereditary cancer-predisposing syndrome. Also called: Neoplastic Syndromes, Hereditary; Tumor predisposition; Hereditary Cancer Syndrome; Hereditary neoplastic syndrome. Identifiers: Orphanet 140162, MedGen C0027672, MeSH D009386, MONDO:0015356.

Allele frequency attached by ClinVar (database versions not stated): gnomAD exomes below 0.00001; gnomAD 0.00001; 1000 Genomes Project 0.00020; 1000 Genomes Project 30x 0.00031.
gnomAD v4.1: 4 of 1,614,212 alleles (0.00025%); highest among the groups gnomAD compares: East Asian, 0.0022%; no homozygotes.

Submissions (5):

Labcorp Genetics (formerly Invitae), Labcorp
Classification: Likely benign for Hereditary nonpolyposis colorectal neoplasms. Last evaluated: 2026-01-04. Review status: criteria provided, single submitter. Criteria: Invitae Variant Classification Sherloc (09022015). Collection method: clinical testing. Allele origin: germline.

Center for Genomic Medicine, Rigshospitalet, Copenhagen University Hospital
Classification: Likely benign. Last evaluated: 2025-03-04. Review status: criteria provided, single submitter. Criteria: ACMG Guidelines, 2015. Collection method: clinical testing. Allele origin: germline.

Myriad Genetics, Inc.
Classification: Benign for Lynch syndrome 5. Last evaluated: 2025-01-06. Review status: criteria provided, single submitter. Criteria: Myriad Autosomal Dominant, Autosomal Recessive and X-Linked Classification Criteria (2023). Collection method: clinical testing. Allele origin: unknown.
Comment: This variant is considered benign. This variant is a silent/synonymous amino acid change and it is not expected to impact splicing.

Color Diagnostics, LLC DBA Color Health
Classification: Likely benign for Hereditary cancer-predisposing syndrome. Last evaluated: 2024-03-10. Review status: criteria provided, single submitter. Criteria: ACMG Guidelines, 2015. Collection method: clinical testing. Allele origin: germline.

Ambry Genetics
Classification: Likely benign for Hereditary cancer-predisposing syndrome. Last evaluated: 2015-05-26. Review status: criteria provided, single submitter. Criteria: Ambry Variant Classification Scheme 2023. Collection method: clinical testing. Allele origin: germline.